The following is an entry in ClinVar:

NM_173551.5(ANKS6):c.71C>T (p.Thr24Met)

Gene: ANKS6 (ankyrin repeat and sterile alpha motif domain containing 6; minus strand). Cytogenetic location: 9q22.33.
Variant type: single nucleotide variant.
Coding change: c.71C>T on transcript NM_173551.5 (MANE Select); coding-DNA position 71, C replaced by T.
Protein change: p.Thr24Met; replaces threonine 24 with methionine.
Molecular consequence: missense variant.
Genome position (GRCh38, 1-based): chr9:98,796,421, G>A on the plus strand (C>T on the coding strand, the complement: ANKS6 is on the minus strand). VCF-style: chr9-98796421-G-A. GRCh37 (hg19) VCF-style: chr9-101558703-G-A.
Other names: short protein forms T24M.
Identifiers: ClinVar variation 2164691 (VCV002164691.4), dbSNP rs2490439040, ClinGen allele CA374220711.

ClinVar aggregate classification (germline): Uncertain significance (1 of 4 stars; one submission).

Conditions:
Nephronophthisis 16 (NPHP16). Identifiers: Orphanet 655, MedGen C3809320, MONDO:0014158, OMIM 615382.

Submission:

Labcorp Genetics (formerly Invitae), Labcorp
Classification: Uncertain significance for Nephronophthisis 16. Last evaluated: 2022-07-09. Review status: criteria provided, single submitter. Criteria: Invitae Variant Classification Sherloc (09022015). Collection method: clinical testing. Allele origin: germline.
Comment: This sequence change replaces threonine, which is neutral and polar, with methionine, which is neutral and non-polar, at codon 24 of the ANKS6 protein (p.Thr24Met). The frequency data for this variant in the population databases is considered unreliable, as metrics indicate insufficient coverage at this position in the gnomAD database. This variant has not been reported in the literature in individuals affected with ANKS6-related conditions. Algorithms developed to predict the effect of missense changes on protein structure and function are either unavailable or do not agree on the potential impact of this missense change (SIFT: "Deleterious"; PolyPhen-2: "Probably Damaging"; Align-GVGD: "Class C0"). In summary, the available evidence is currently insufficient to determine the role of this variant in disease. Therefore, it has been classified as a Variant of Uncertain Significance.